The following is an entry in ClinVar:

ClinVar aggregate classification (germline): Uncertain significance (1 of 4 stars; one submission).

Conditions:
Hereditary cancer-predisposing syndrome. Also called: Hereditary neoplastic syndrome; Hereditary Cancer Syndrome; Neoplastic Syndromes, Hereditary; Tumor predisposition. Identifiers: Orphanet 140162, MedGen C0027672, MeSH D009386, MONDO:0015356.

Submission:

Ambry Genetics
Classification: Uncertain significance for Hereditary cancer-predisposing syndrome. Last evaluated: 2023-03-31. Review status: criteria provided, single submitter. Criteria: Ambry Variant Classification Scheme 2023. Collection method: clinical testing. Allele origin: germline.
Comment: The p.L780P variant (also known as c.2339T>C), located in coding exon 10 of the BLM gene, results from a T to C substitution at nucleotide position 2339. The leucine at codon 780 is replaced by proline, an amino acid with similar properties. This amino acid position is conserved. In addition, this alteration is predicted to be deleterious by in silico analysis. Since supporting evidence is limited at this time, the clinical significance of this alteration remains unclear.

NM_000057.4(BLM):c.2339T>C (p.Leu780Pro)

Gene: BLM (BLM RecQ like helicase; plus strand). Cytogenetic location: 15q26.1.
Variant type: single nucleotide variant.
Coding change: c.2339T>C on transcript NM_000057.4 (MANE Select); coding-DNA position 2339, T replaced by C.
Protein change: p.Leu780Pro; replaces leucine 780 with proline.
Molecular consequence: missense variant.
Genome position (GRCh38, 1-based): chr15:90,769,164, T>C. VCF-style: chr15-90769164-T-C. GRCh37 (hg19) VCF-style: chr15-91312394-T-C.
Other names: c.2339T>C, p.Leu780Pro (NM_001287246.2, NM_001287247.2); c.1214T>C, p.Leu405Pro (NM_001287248.2); short protein forms L405P, L780P.
Identifiers: ClinVar variation 2566813 (VCV002566813.2), dbSNP rs2505454326, ClinGen allele CA393845088.
Genomic context (GRCh38, chr15:90,769,164, plus strand): 5'-TTTACATGTCTAATGTATTTCTGGCCTAGATCTGTGCAAGTAACAGACTCATTTCTACTC[T>C]GGAGAATCTCTATGAGAGGAAGCTCTTGGCACGTTTTGTTATTGATGAAGCACATTGTGT-3'
Protein context (NP_000048.1, residues 770-790): ICASNRLIST[Leu780Pro]ENLYERKLLA